The following is an entry in ClinVar:

NM_003235.5(TG):c.6916A>G (p.Met2306Val)

Gene: TG (thyroglobulin; plus strand). Cytogenetic location: 8q24.22.
Variant type: single nucleotide variant.
Coding change: c.6916A>G on transcript NM_003235.5 (MANE Select); coding-DNA position 6916, A replaced by G.
Protein change: p.Met2306Val; replaces methionine 2306 with valine.
Molecular consequence: missense variant.
Genome position (GRCh38, 1-based): chr8:133,022,030, A>G. VCF-style: chr8-133022030-A-G. GRCh37 (hg19) VCF-style: chr8-134034275-A-G.
Other names: short protein forms M2306V.
Identifiers: ClinVar variation 4633022 (VCV004633022.2).

ClinVar aggregate classification (germline): Uncertain significance. Review status: criteria provided, multiple submitters, no conflicts (2 of 4 stars). 2 submissions from 2 submitters: Uncertain significance (2). Last evaluated 2026-06-05.

Conditions:
Inborn genetic diseases. Identifiers: MedGen C0950123, MeSH D030342.

gnomAD v4.1: 33 of 1,614,040 alleles (0.002%); highest among the groups gnomAD compares: Admixed American, 0.048%; no homozygotes.

Submissions (2):

Women's Health and Genetics/Laboratory Corporation of America, LabCorp
Classification: Uncertain significance. Last evaluated: 2026-06-05. Review status: criteria provided, single submitter. Criteria: LabCorp Variant Classification Summary - May 2015. Collection method: clinical testing. Allele origin: germline.
Comment: Variant summary: TG c.6916A>G (p.Met2306Val) results in a conservative amino acid change in the encoded protein sequence. Algorithms developed to predict the effect of missense changes on protein structure and function all suggest that this variant is likely to be tolerated. The variant allele was found at a frequency of 0.00011 in 251480 control chromosomes. This frequency is not significantly higher than estimated for disease-causing variants in TG, allowing no conclusion about variant significance. To our knowledge, no occurrence of c.6916A>G in individuals affected with TG-related conditions and no experimental evidence demonstrating its impact on protein function have been reported. ClinVar contains an entry for this variant (Variation ID: 4633022). Based on the evidence outlined above, the variant was classified as uncertain significance.

Ambry Genetics
Classification: Uncertain significance for Inborn genetic diseases. Last evaluated: 2025-10-02. Review status: criteria provided, single submitter. Criteria: Ambry Variant Classification Scheme 2023. Collection method: clinical testing. Allele origin: germline.